The following is an entry in ClinVar:

ClinVar aggregate classification (germline): Uncertain significance (1 of 4 stars; one submission).

Conditions:
Developmental and epileptic encephalopathy, 9 (DEE9). Also called: PCDH19-Related X-Linked Female-Limited Epilepsy with Mental Retardation; Early infantile epileptic encephalopathy 9; EPILEPSY, FEMALE-RESTRICTED, WITH MENTAL RETARDATION; JUBERG-HELLMAN SYNDROME. Identifiers: Orphanet 101039, Orphanet 2076, MedGen C1848137, MONDO:0010246, OMIM 300088. Disease mechanism: loss of function.

Allele frequency attached by ClinVar (database versions not stated): gnomAD exomes 0.00001.

Submission:

Labcorp Genetics (formerly Invitae), Labcorp
Classification: Uncertain significance for Developmental and epileptic encephalopathy, 9. Last evaluated: 2024-11-14. Review status: criteria provided, single submitter. Criteria: Invitae Variant Classification Sherloc (09022015). Collection method: clinical testing. Allele origin: germline.
Comment: This sequence change replaces serine, which is neutral and polar, with leucine, which is neutral and non-polar, at codon 741 of the PCDH19 protein (p.Ser741Leu). This variant is not present in population databases (gnomAD no frequency). This missense change has been observed in individual(s) with clinical features of PCDH19-related conditions (PMID: 31139143). ClinVar contains an entry for this variant (Variation ID: 663665). Invitae Evidence Modeling of protein sequence and biophysical properties (such as structural, functional, and spatial information, amino acid conservation, physicochemical variation, residue mobility, and thermodynamic stability) indicates that this missense variant is not expected to disrupt PCDH19 protein function with a negative predictive value of 95%. In summary, the available evidence is currently insufficient to determine the role of this variant in disease. Therefore, it has been classified as a Variant of Uncertain Significance.

Literature cited by the submitters: PubMed 31139143.

NM_001184880.2(PCDH19):c.2222C>T (p.Ser741Leu)

Gene: PCDH19 (protocadherin 19; minus strand). Cytogenetic location: Xq22.1.
Variant type: single nucleotide variant.
Coding change: c.2222C>T on transcript NM_001184880.2 (MANE Select); coding-DNA position 2222, C replaced by T.
Protein change: p.Ser741Leu; replaces serine 741 with leucine.
Molecular consequence: missense variant. On other transcripts: intron variant (2).
Genome position (GRCh38, 1-based): chrX:100,403,590, G>A on the plus strand (C>T on the coding strand, the complement: PCDH19 is on the minus strand). VCF-style: chrX-100403590-G-A. GRCh37 (hg19) VCF-style: chrX-99658588-G-A.
Other names: c.2148-739C>T (NM_020766.3, NM_001105243.2); short protein forms S741L.
Identifiers: ClinVar variation 663665 (VCV000663665.11), dbSNP rs1335592289, ClinGen allele CA414006991.
Genomic context (GRCh38, chrX:100,403,590, plus strand): 5'-CCCCTTAGGCTCACTTTCTCCTCTGTCTTTTTGTCTTGCTCCTCGCTAATGGGAGAAACC[G>A]AGATGCAATGCAGACACTTGCTGTTTTGTCCTTTTATAAAACAGCCGAGGAGACAAGTGA-3'
Protein context (NP_001171809.1, residues 731-751): GQNSKCLHCI[Ser741Leu]VSPISEEQDK